The following is an entry in ClinVar:

ClinVar aggregate classification (germline): Uncertain significance (1 of 4 stars; one submission).

Conditions:
Familial hemiplegic migraine. Identifiers: MedGen C0338484, MONDO:0000700.

Submission:

Labcorp Genetics (formerly Invitae), Labcorp
Classification: Uncertain significance for Familial hemiplegic migraine. Last evaluated: 2023-11-06. Review status: criteria provided, single submitter. Criteria: Invitae Variant Classification Sherloc (09022015). Collection method: clinical testing. Allele origin: germline.
Comment: This sequence change falls in intron 6 of the ATP1A2 gene. It does not directly change the encoded amino acid sequence of the ATP1A2 protein. This variant is not present in population databases (gnomAD no frequency). This variant has not been reported in the literature in individuals affected with ATP1A2-related conditions. Algorithms developed to predict the effect of sequence changes on RNA splicing suggest that this variant may disrupt the consensus splice site. In summary, the available evidence is currently insufficient to determine the role of this variant in disease. Therefore, it has been classified as a Variant of Uncertain Significance.

NM_000702.4(ATP1A2):c.631-10_631-4del

Genes: ATP1A2 (ATPase Na+/K+ transporting subunit alpha 2; plus strand), LOC126805890 (CDK7 strongly-dependent group 2 enhancer GRCh37_chr1:160093987-160095186; plus strand). Cytogenetic location: 1q23.2.
Variant type: Deletion.
Coding change: c.631-10_631-4del on transcript NM_000702.4 (MANE Select); 10 bases into the intron before coding-DNA position 631 through 4 bases into the intron before coding-DNA position 631, 7 bases deleted (TCCTCCT; older notation c.631-10_631-4delTCCTCCT).
Molecular consequence: intron variant.
Genome position (GRCh38, 1-based): chr1:160,125,126-160,125,132, TCCTCCT deleted; deleting any 7 consecutive bases within chr1:160,125,121-160,125,132 gives the same sequence; the c. name uses the placement nearest the transcript's 3' end. VCF-style (leftmost placement, unchanged base first): chr1-160125120-ACTCCTTC-A. GRCh37 (hg19) VCF-style: chr1-160094910-ACTCCTTC-A.
Identifiers: ClinVar variation 2740744 (VCV002740744.3), dbSNP rs2524859209, ClinGen allele CA2697554605.
Genomic context (GRCh38, chr1:160,125,120, plus strand): 5'-GAGGTGGTTCAGGAGACAGCTGTGTGCATACAAGTGGCTCTGCCAGTCTGATGACTATGC[ACTCCTTC>A]CTCCTCAGGTGGATAACTCATCCTTAACAGGAGAGTCGGAGCCCCAGACCCGCTCCCCCG-3'